The following is an entry in ClinVar:

ClinVar aggregate classification (germline): Likely benign (1 of 4 stars; one submission).

Allele frequency attached by ClinVar (database versions not stated): 1000 Genomes Project 30x 0.01202; 1000 Genomes Project 0.01238; TOPMed 0.01540; gnomAD 0.01609 and 0.01679.
gnomAD v4.1: 2,450 of 152,210 alleles (1.6%); highest among the groups gnomAD compares: Middle Eastern, 3.1%; 19 homozygotes.

Submission:

GeneDx
Classification: Likely benign. Last evaluated: 2018-06-14. Review status: criteria provided, single submitter. Criteria: GeneDx Variant Classification (06012015). Collection method: clinical testing. Allele origin: germline. Affected: yes.
Comment: This variant is considered likely benign or benign based on one or more of the following criteria: it is a conservative change, it occurs at a poorly conserved position in the protein, it is predicted to be benign by multiple in silico algorithms, and/or has population frequency not consistent with disease.

NM_001271.4(CHD2):c.4008+210C>G

Gene: CHD2 (chromodomain helicase DNA binding protein 2; plus strand). Cytogenetic location: 15q26.1.
Variant type: single nucleotide variant.
Coding change: c.4008+210C>G on transcript NM_001271.4 (MANE Select); 210 bases into the intron after coding-DNA position 4008, C replaced by G.
Molecular consequence: intron variant.
Genome position (GRCh38, 1-based): chr15:92,998,831, C>G. VCF-style: chr15-92998831-C-G. GRCh37 (hg19) VCF-style: chr15-93542061-C-G.
Identifiers: ClinVar variation 677594 (VCV000677594.1), dbSNP rs149459529, ClinGen allele CA14138803.